The following is an entry in ClinVar:

ClinVar aggregate classification (germline): Conflicting classifications of pathogenicity. Review status: criteria provided, conflicting classifications (1 of 4 stars). 9 submissions from 9 submitters: Uncertain significance (2); Likely benign (6). 1 of the submissions does not count toward it. Last evaluated 2026-01-27.

Conditions:
TTN-related disorder. Also called: TTN-related condition; TTN-related disease; TTN-related disorders.
Cardiovascular phenotype. Identifiers: MedGen CN230736.
Dilated cardiomyopathy 1G (CMD1G). Identifiers: Orphanet 154, MedGen C1858763, MONDO:0011400, OMIM 604145.
Autosomal recessive limb-girdle muscular dystrophy type 2J (LGMDR10). Also called: MUSCULAR DYSTROPHY, LIMB-GIRDLE, AUTOSOMAL RECESSIVE 10; Limb-girdle muscular dystrophy, type 2J. Identifiers: Orphanet 140922, MedGen C1837342, MONDO:0012127, OMIM 608807.

Allele frequency attached by ClinVar (database versions not stated): ESP Exome Variant Server 0.00041; gnomAD 0.00051; TOPMed 0.00062; 1000 Genomes Project 0.00140; 1000 Genomes Project 30x 0.00172.
gnomAD v4.1: 171 of 1,613,948 alleles (0.011%); highest among the groups gnomAD compares: African/African-American, 0.21%; no homozygotes.

Submissions (9):

Labcorp Genetics (formerly Invitae), Labcorp
Classification: Likely benign for Dilated cardiomyopathy 1G; Autosomal recessive limb-girdle muscular dystrophy type 2J. Last evaluated: 2026-01-27. Review status: criteria provided, single submitter. Criteria: Invitae Variant Classification Sherloc (09022015). Collection method: clinical testing. Allele origin: germline.

Molecular Diagnostic Laboratory for Inherited Cardiovascular Disease, Montreal Heart Institute
Classification: Likely benign. Last evaluated: 2025-04-09. Review status: criteria provided, single submitter. Criteria: ACMG Guidelines, 2015. Collection method: clinical testing. Allele origin: germline. Affected: no.

Mayo Clinic Laboratories, Mayo Clinic
Classification: Likely benign. Last evaluated: 2025-03-28. Review status: criteria provided, single submitter. Criteria: ACMG Guidelines, 2015. Collection method: clinical testing. Allele origin: germline. Observed: 1 variant allele.
Comment: BS1, BP4_moderate

Women's Health and Genetics/Laboratory Corporation of America, LabCorp
Classification: Likely benign. Last evaluated: 2023-04-11. Review status: criteria provided, single submitter. Criteria: LabCorp Variant Classification Summary - May 2015. Collection method: clinical testing. Allele origin: germline.
Comment: Variant summary: TTN c.79907C>G (p.Thr26636Arg) results in a non-conservative amino acid change located in the A-band region of the encoded protein sequence. Three of five in-silico tools predict a benign effect of the variant on protein function. The variant allele was found at a frequency of 0.00016 in 248992 control chromosomes, predominantly at a frequency of 0.0025 within the African or African-American subpopulation in the gnomAD database. The observed variant frequency within African or African-American control individuals in the gnomAD database is approximately 6 fold of the estimated maximal expected allele frequency for a pathogenic variant in TTN causing Dilated Cardiomyopathy phenotype (0.00039), strongly suggesting that the variant is a benign polymorphism found primarily in populations of African or African-American origin. To our knowledge, no occurrence of c.79907C>G in individuals affected with Dilated Cardiomyopathy and no experimental evidence demonstrating its impact on protein function have been reported. Five clinical diagnostic laboratories have submitted clinical-significance assessments for this variant to ClinVar after 2014 and classified the variant as VUS and likely benign. Based on the evidence outlined above, the variant was classified as likely benign.

Eurofins Ntd Llc (ga)
Classification: Uncertain significance. Last evaluated: 2018-05-25. Review status: criteria provided, single submitter. Criteria: EGL ClinVar v180209 classification definitions. Collection method: clinical testing. Allele origin: germline. Observed: 3 variant alleles, 3 heterozygotes.

Ambry Genetics
Classification: Likely benign for Cardiovascular phenotype. Last evaluated: 2018-05-14. Review status: criteria provided, single submitter. Criteria: Ambry Variant Classification Scheme 2023. Collection method: clinical testing. Allele origin: germline.

GeneDx
Classification: Likely benign. Last evaluated: 2017-12-28. Review status: criteria provided, single submitter. Criteria: GeneDx Variant Classification (06012015). Collection method: clinical testing. Allele origin: germline. Affected: yes.
Comment: This variant is considered likely benign or benign based on one or more of the following criteria: it is a conservative change, it occurs at a poorly conserved position in the protein, it is predicted to be benign by multiple in silico algorithms, and/or has population frequency not consistent with disease.

Laboratory for Molecular Medicine, Mass General Brigham Personalized Medicine
Classification: Uncertain significance. Last evaluated: 2016-08-14. Review status: criteria provided, single submitter. Criteria: LMM Criteria. Collection method: clinical testing. Allele origin: germline. Observed: 1 variant allele.
Comment: Variant classified as Uncertain Significance - Favor Benign. The p.Thr26636Arg v ariant in TTN has not been previously reported in individuals with cardiomyopath y, but has been identified in 0.3% (25/9802) of African chromosomes by the Exome Aggregation Consortium (ExAC; dbSNP rs72648228) . Computational prediction tools and conservation analysis do not provide strong support for or against an impact to the protein. In summary, while the clinical significance of the p.Thr26636Arg variant is uncertain, its frequency suggests that it is more likely to be benign.

PreventionGenetics, part of Exact Sciences
Classification: Likely benign for TTN-related condition. Last evaluated: 2024-09-25. Review status: no assertion criteria provided. Collection method: clinical testing. Allele origin: germline. Not counted in ClinVar's aggregate classification.
Comment: This variant is classified as likely benign based on ACMG/AMP sequence variant interpretation guidelines (Richards et al. 2015 PMID: 25741868, with internal and published modifications).

NM_001267550.2(TTN):c.87611C>G (p.Thr29204Arg)

Genes: TTN (titin; minus strand), TTN-AS1 (TTN antisense RNA 1; plus strand). Cytogenetic location: 2q31.2.
Variant type: single nucleotide variant.
Coding change: c.87611C>G on transcript NM_001267550.2 (MANE Select); coding-DNA position 87611, C replaced by G.
Protein change: p.Thr29204Arg; replaces threonine 29204 with arginine.
Molecular consequence: missense variant.
Genome position (GRCh38, 1-based): chr2:178,557,743, G>C on the plus strand (C>G on the coding strand, the complement: TTN is on the minus strand). VCF-style: chr2-178557743-G-C. GRCh37 (hg19) VCF-style: chr2-179422470-G-C.
Other names: p.T27563R:ACA>AGA; c.82688C>G, p.Thr27563Arg (NM_001256850.1); c.60416C>G, p.Thr20139Arg (NM_003319.4); c.79907C>G, p.Thr26636Arg (NM_133378.4); c.60791C>G, p.Thr20264Arg (NM_133432.3); c.60992C>G, p.Thr20331Arg (NM_133437.4); short protein forms T27563R, T29204R, T20139R, T26636R, T20264R, T20331R.
Identifiers: ClinVar variation 202942 (VCV000202942.30), dbSNP rs72648228, ClinGen allele CA310756.